The following is an entry in ClinVar:

ClinVar aggregate classification (germline): Uncertain significance (1 of 4 stars; one submission).

Allele frequency attached by ClinVar (database versions not stated): ExAC 0.00003.
gnomAD v4.1: 6 of 1,604,804 alleles (0.00037%); highest among the groups gnomAD compares: Admixed American, 0.01%; no homozygotes.

Submission:

Labcorp Genetics (formerly Invitae), Labcorp
Classification: Uncertain significance. Last evaluated: 2026-01-05. Review status: criteria provided, single submitter. Criteria: Invitae Variant Classification Sherloc (09022015). Collection method: clinical testing. Allele origin: germline.
Comment: This sequence change replaces aspartic acid, which is acidic and polar, with glutamic acid, which is acidic and polar, at codon 1038 of the NBAS protein (p.Asp1038Glu). This variant is present in population databases (rs747048555, gnomAD 0.02%). This variant has not been reported in the literature in individuals affected with NBAS-related conditions. ClinVar contains an entry for this variant (Variation ID: 1515225). Invitae Evidence Modeling of protein sequence and biophysical properties (such as structural, functional, and spatial information, amino acid conservation, physicochemical variation, residue mobility, and thermodynamic stability) indicates that this missense variant is not expected to disrupt NBAS protein function with a negative predictive value of 95%. In summary, the available evidence is currently insufficient to determine the role of this variant in disease. Therefore, it has been classified as a Variant of Uncertain Significance.

NM_015909.4(NBAS):c.3114C>G (p.Asp1038Glu)

Gene: NBAS (NBAS subunit of NRZ tethering complex; minus strand). Cytogenetic location: 2p24.3.
Variant type: single nucleotide variant.
Coding change: c.3114C>G on transcript NM_015909.4 (MANE Select); coding-DNA position 3114, C replaced by G.
Protein change: p.Asp1038Glu; replaces aspartic acid 1038 with glutamic acid.
Molecular consequence: missense variant. On other transcripts: non-coding transcript variant (1).
Genome position (GRCh38, 1-based): chr2:15,396,433, G>C on the plus strand (C>G on the coding strand, the complement: NBAS is on the minus strand). VCF-style: chr2-15396433-G-C. GRCh37 (hg19) VCF-style: chr2-15536557-G-C.
Other names: short protein forms D1038E.
Identifiers: ClinVar variation 1515225 (VCV001515225.4), dbSNP rs747048555, ClinGen allele CA1536154.